The following is an entry in ClinVar:

ClinVar aggregate classification (germline): Conflicting classifications of pathogenicity. Review status: criteria provided, conflicting classifications (1 of 4 stars). 4 submissions from 4 submitters: Uncertain significance (2); Likely benign (2). Last evaluated 2025-03-05.

Conditions:
Cutis laxa, X-linked (OHS). Also called: Occipital horn syndrome; EDS IX. Identifiers: Orphanet 198, MedGen C0268353, MONDO:0010572, OMIM 304150.
X-linked distal spinal muscular atrophy type 3. Also called: ATP7A-Related Distal Motor Neuropathy; SPINAL MUSCULAR ATROPHY, DISTAL, X-LINKED RECESSIVE; NEURONOPATHY, DISTAL HEREDITARY MOTOR, X-LINKED; NEUROPATHY, DISTAL HEREDITARY MOTOR, X-LINKED. Identifiers: Orphanet 139557, MedGen C1845359, MONDO:0010338, OMIM 300489.
Menkes kinky-hair syndrome (MNK). Also called: Copper transport disease; Menkes Disease; Classic Menkes Disease. Identifiers: Orphanet 565, MedGen C0022716, MONDO:0010651, OMIM 309400.

Allele frequency attached by ClinVar (database versions not stated): TOPMed below 0.00001; gnomAD 0.00001; gnomAD exomes 0.00002 and 0.00003; ExAC 0.00003.
gnomAD v4.1: 24 of 1,208,990 alleles (0.002%); highest among the groups gnomAD compares: Non-Finnish European, 0.0025%; no homozygotes.

Submissions (4):

Labcorp Genetics (formerly Invitae), Labcorp
Classification: Likely benign for X-linked distal spinal muscular atrophy type 3; Cutis laxa, X-linked; Menkes kinky-hair syndrome. Last evaluated: 2025-03-05. Review status: criteria provided, single submitter. Criteria: Invitae Variant Classification Sherloc (09022015). Collection method: clinical testing. Allele origin: germline.

New York Genome Center
Classification: Uncertain significance for Menkes kinky-hair syndrome; Cutis laxa, X-linked; X-linked distal spinal muscular atrophy type 3. Last evaluated: 2023-04-21. Review status: criteria provided, single submitter. Criteria: NYGC Assertion Criteria 2020. Collection method: clinical testing. Allele origin: germline. Observed: 1 hemizygote.

Blueprint Genetics
Classification: Likely benign. Last evaluated: 2022-12-07. Review status: criteria provided, single submitter. Criteria: ACMG Guidelines, 2015. Collection method: clinical testing. Allele origin: germline.

ARUP Laboratories, Molecular Genetics and Genomics, ARUP Laboratories
Classification: Uncertain significance. Last evaluated: 2018-10-02. Review status: criteria provided, single submitter. Criteria: ARUP Molecular Germline Variant Investigation Process. Collection method: clinical testing. Allele origin: germline.
Comment: The ATP7A c.4414C>T; p.Arg1472Cys variant (rs782062633), to our knowledge, is not reported in the medical literature or gene specific databases. This variant is found in the non-Finnish European population with an allele frequency of 0.005% (4/79,975 alleles, including 3 hemizygotes) in the Genome Aggregation Database. The arginine at codon 1472 is moderately conserved, and computational analyses (SIFT: tolerated, PolyPhen-2: possibly damaging) predict conflicting effects of this variant on protein structure/function. Due to limited information, the clinical significance of the p.Arg1472Cys variant is uncertain at this time.

NM_000052.7(ATP7A):c.4414C>T (p.Arg1472Cys)

Gene: ATP7A (ATPase copper transporting alpha; plus strand). Cytogenetic location: Xq21.1.
Variant type: single nucleotide variant.
Coding change: c.4414C>T on transcript NM_000052.7 (MANE Select); coding-DNA position 4414, C replaced by T.
Protein change: p.Arg1472Cys; replaces arginine 1472 with cysteine.
Molecular consequence: missense variant. On other transcripts: non-coding transcript variant (1).
Genome position (GRCh38, 1-based): chrX:78,046,481, C>T. VCF-style: chrX-78046481-C-T. GRCh37 (hg19) VCF-style: chrX-77301978-C-T.
Other names: c.4180C>T, p.Arg1394Cys (NM_001282224.2); short protein forms R1472C, R1394C.
Identifiers: ClinVar variation 779760 (VCV000779760.19), dbSNP rs782062633, ClinGen allele CA10459551.